The following is an entry in ClinVar:

NM_000059.4(BRCA2):c.451G>A (p.Val151Ile)

Gene: BRCA2 (BRCA2 DNA repair associated; plus strand). Cytogenetic location: 13q13.1.
Variant type: single nucleotide variant.
Coding change: c.451G>A on transcript NM_000059.4 (MANE Select); coding-DNA position 451, G replaced by A.
Protein change: p.Val151Ile; replaces valine 151 with isoleucine.
Molecular consequence: missense variant.
Genome position (GRCh38, 1-based): chr13:32,326,126, G>A. VCF-style: chr13-32326126-G-A. GRCh37 (hg19) VCF-style: chr13-32900263-G-A.
Other names: 679G>A; short protein forms V151I.
Identifiers: ClinVar variation 37908 (VCV000037908.20), dbSNP rs397507335, ClinGen allele CA020315.

ClinVar aggregate classification (germline): Conflicting classifications of pathogenicity. Review status: criteria provided, conflicting classifications (1 of 4 stars). 5 submissions from 5 submitters: Uncertain significance (3); Likely benign (1). 1 of the submissions does not count toward it. Last evaluated 2025-12-22.

Conditions:
BRCA2-related disorder. Also called: BRCA2-related condition; BRCA2-related disorders. Identifiers: MedGen CN239275.
Hereditary cancer-predisposing syndrome. Also called: Tumor predisposition; Neoplastic Syndromes, Hereditary; Hereditary neoplastic syndrome; Hereditary Cancer Syndrome. Identifiers: Orphanet 140162, MedGen C0027672, MeSH D009386, MONDO:0015356.
Hereditary breast ovarian cancer syndrome. Also called: Hereditary breast and ovarian cancer; Hereditary breast and ovarian cancer syndrome (HBOC); Hereditary breast and/or ovarian cancer syndrome; Breast and ovarian cancer; Hereditary breast and ovarian cancer syndrome; BRCA1- and BRCA2-Associated Hereditary Breast and Ovarian Cancer. Identifiers: Orphanet 145, MedGen C0677776, MeSH D061325, MONDO:0003582. Disease mechanism: loss of function.
Breast-ovarian cancer, familial, susceptibility to, 2 (BROVCA2). Also called: BRCA2 Hereditary Breast and Ovarian Cancer. Identifiers: Orphanet 145, MedGen C2675520, MONDO:0012933, OMIM 612555. Disease mechanism: loss of function.

Submissions (5):

Labcorp Genetics (formerly Invitae), Labcorp
Classification: Uncertain significance for Hereditary breast ovarian cancer syndrome. Last evaluated: 2025-12-22. Review status: criteria provided, single submitter. Criteria: Invitae Variant Classification Sherloc (09022015). Collection method: clinical testing. Allele origin: germline.
Comment: This sequence change replaces valine, which is neutral and non-polar, with isoleucine, which is neutral and non-polar, at codon 151 of the BRCA2 protein (p.Val151Ile). This variant is not present in population databases (gnomAD no frequency). This variant has not been reported in the literature in individuals affected with BRCA2-related conditions. ClinVar contains an entry for this variant (Variation ID: 37908). Invitae Evidence Modeling of protein sequence and biophysical properties (such as structural, functional, and spatial information, amino acid conservation, physicochemical variation, residue mobility, and thermodynamic stability) indicates that this missense variant is not expected to disrupt BRCA2 protein function with a negative predictive value of 95%. Studies have shown that this missense change alters mRNA splicing and is expected to lead to the loss of protein expression (PMID: 30883759). In summary, the available evidence is currently insufficient to determine the role of this variant in disease. Therefore, it has been classified as a Variant of Uncertain Significance.

Ambry Genetics
Classification: Likely benign for Hereditary cancer-predisposing syndrome. Last evaluated: 2025-09-11. Review status: criteria provided, single submitter. Criteria: Ambry Variant Classification Scheme 2023. Collection method: clinical testing. Allele origin: germline.

GeneDx
Classification: Uncertain significance. Last evaluated: 2023-03-03. Review status: criteria provided, single submitter. Criteria: GeneDx Variant Classification Process June 2021. Collection method: clinical testing. Allele origin: germline. Affected: yes.
Comment: Not observed at significant frequency in large population cohorts (gnomAD); In silico analysis supports that this missense variant does not alter protein structure/function; Published functional studies using a minigene assay demonstrate aberrant splicing and predict a truncated protein product (Fraile-Bethencourt et al., 2019); Also known as 679G>A; This variant is associated with the following publications: (PMID: 32623769, 30883759)

PreventionGenetics, part of Exact Sciences
Classification: Uncertain significance for BRCA2-related condition. Last evaluated: 2022-10-24. Review status: criteria provided, single submitter. Criteria: ACMG Guidelines, 2015. Collection method: clinical testing. Allele origin: germline.
Comment: The BRCA2 c.451G>A variant is predicted to result in the amino acid substitution p.Val151Ile. To our knowledge, this variant (referred to as 679G>A using legacy nomenclature) has not been reported in the literature in association with BRCA2-related disease. Results from a minigene assay suggest that this variant predominantly results in skipping of exon 5 and occasionally both exons 5 and 6 (Fraile-Bethencourt et al. 2019. PubMed ID: 30883759); however even the wild type minigene construct had both of these events and it is unclear if the results from these experiments accurately represent in vivo splicing. Computational splicing prediction programs predict that this variant would likely not have an impact on splicing (Alamut Visual Plus v1.6.1). This variant has not been reported in a large population database, indicating this variant is rare. In ClinVar, this variant is interpreted as uncertain. At this time, the clinical significance of this variant is uncertain due to the absence of conclusive functional and genetic evidence.

Sharing Clinical Reports Project (SCRP)
Classification: Uncertain significance for Breast-ovarian cancer, familial 2. Last evaluated: 2009-12-23. Review status: no assertion criteria provided. Collection method: clinical testing. Allele origin: germline. Not counted in ClinVar's aggregate classification.

Literature cited by the submitters: PubMed 30883759 (cited by Labcorp Genetics (formerly Invitae), Labcorp and Ambry Genetics).